The following is an entry in ClinVar:

ClinVar aggregate classification (germline): Uncertain significance (1 of 4 stars; one submission).

Conditions:
Periodic fever-infantile enterocolitis-autoinflammatory syndrome. Also called: Autoinflammation with infantile enterocolitis. Identifiers: Orphanet 436166, MedGen C4015067, MONDO:0014472, OMIM 616050.
Familial cold autoinflammatory syndrome 4 (FCAS4). Identifiers: Orphanet 47045, Orphanet 576349, MedGen C4015276, MONDO:0014498, OMIM 616115.

Submission:

Labcorp Genetics (formerly Invitae), Labcorp
Classification: Uncertain significance for Periodic fever-infantile enterocolitis-autoinflammatory syndrome; Familial cold autoinflammatory syndrome 4. Last evaluated: 2022-03-28. Review status: criteria provided, single submitter. Criteria: Invitae Variant Classification Sherloc (09022015). Collection method: clinical testing. Allele origin: germline.
Comment: In summary, the available evidence is currently insufficient to determine the role of this variant in disease. Therefore, it has been classified as a Variant of Uncertain Significance. This variant has not been reported in the literature in individuals affected with NLRC4-related conditions. This variant is not present in population databases (gnomAD no frequency). This sequence change creates a premature translational stop signal (p.Gly632Valfs*41) in the NLRC4 gene. It is expected to result in an absent or disrupted protein product. However, the current clinical and genetic evidence is not sufficient to establish whether loss-of-function variants in NLRC4 cause disease.

NM_001199138.2(NLRC4):c.1893del (p.Gly632fs)

Gene: NLRC4 (NLR family CARD domain containing 4; minus strand). Cytogenetic location: 2p22.3.
Variant type: Deletion.
Coding change: c.1893del on transcript NM_001199138.2 (MANE Select); coding-DNA position 1893, one base deleted (A; older notation c.1893delA).
Protein change: p.Gly632fs; shifts the reading frame from glycine 632.
Molecular consequence: frameshift variant. On other transcripts: intron variant (1).
Genome position (GRCh38, 1-based): chr2:32,249,971, T deleted on the plus strand (A on the coding strand, the reverse complement: NLRC4 is on the minus strand). VCF-style (leftmost placement, unchanged base first): chr2-32249970-CT-C. GRCh37 (hg19) VCF-style: chr2-32475039-CT-C.
Other names: c.1893delA, p.Gly632Valfs (NM_001199139.2, NM_021209.5); c.262+2448del (NM_001302504.1); short protein forms G632fs.
Identifiers: ClinVar variation 2118933 (VCV002118933.4), dbSNP rs2466757536, ClinGen allele CA2580066393.